The following is an entry in ClinVar:

ClinVar aggregate classification (germline): Likely benign (1 of 4 stars; one submission).

Allele frequency attached by ClinVar (database versions not stated): ExAC 0.00018; 1000 Genomes Project 30x 0.00031; gnomAD 0.00035; TOPMed 0.00036; 1000 Genomes Project 0.00040; ESP Exome Variant Server 0.00062; gnomAD exomes 0.00066.
gnomAD v4.1: 1,045 of 1,592,812 alleles (0.066%); highest among the groups gnomAD compares: Non-Finnish European, 0.081%; 2 homozygotes.

Submission:

CeGaT Center for Human Genetics Tuebingen
Classification: Likely benign. Last evaluated: 2023-12-01. Review status: criteria provided, single submitter. Criteria: CeGaT Center For Human Genetics Tuebingen Variant Classification Criteria Version 2. Collection method: clinical testing. Allele origin: germline. Affected: yes. Observed: 1 variant allele.
Comment: TBL2: BP4

NM_012453.4(TBL2):c.879-3C>T

Gene: TBL2 (transducin beta like 2; minus strand). Cytogenetic location: 7q11.23.
Variant type: single nucleotide variant.
Coding change: c.879-3C>T on transcript NM_012453.4 (MANE Select); 3 bases into the intron before coding-DNA position 879, C replaced by T.
Molecular consequence: intron variant.
Genome position (GRCh38, 1-based): chr7:73,570,975, G>A on the plus strand (C>T on the coding strand, the complement: TBL2 is on the minus strand). VCF-style: chr7-73570975-G-A. GRCh37 (hg19) VCF-style: chr7-72985305-G-A.
Other names: c.384-3C>T (NM_001362661.2, NM_001362662.2, NM_001362663.2); c.780-3C>T (NM_001362660.2).
Identifiers: ClinVar variation 3025915 (VCV003025915.22), dbSNP rs199828921, ClinGen allele CA4288503.